The following is an entry in ClinVar:

NM_000246.4(CIITA):c.746G>A (p.Gly249Glu)

Gene: CIITA (class II major histocompatibility complex transactivator; plus strand). Cytogenetic location: 16p13.13.
Variant type: single nucleotide variant.
Coding change: c.746G>A on transcript NM_000246.4 (MANE Select); coding-DNA position 746, G replaced by A.
Protein change: p.Gly249Glu; replaces glycine 249 with glutamic acid.
Molecular consequence: missense variant. On other transcripts: non-coding transcript variant (1).
Genome position (GRCh38, 1-based): chr16:10,902,775, G>A. VCF-style: chr16-10902775-G-A. GRCh37 (hg19) VCF-style: chr16-10996632-G-A.
Other names: c.749G>A, p.Gly250Glu (NM_001286402.1, NM_001379332.1); c.599G>A, p.Gly200Glu (NM_001286403.2, NM_001379331.1); c.602G>A, p.Gly201Glu (NM_001379330.1); c.746G>A, p.Gly249Glu (NM_001379333.1); c.677G>A, p.Gly226Glu (NM_001379334.1); short protein forms G250E, G200E, G201E, G249E, G226E.
Identifiers: ClinVar variation 2087611 (VCV002087611.4), dbSNP rs2544414742, ClinGen allele CA394728860.

ClinVar aggregate classification (germline): Uncertain significance (1 of 4 stars; one submission).

Conditions:
MHC class II deficiency. Also called: Bare lymphocyte syndrome 2; BLS, TYPE II. Identifiers: Orphanet 572, MedGen C5447452, MONDO:0008855.

gnomAD v4.1: 1 of 1,614,146 alleles (0.000062%); highest among the groups gnomAD compares: Non-Finnish European, 0.000085%; no homozygotes.

Submission:

Labcorp Genetics (formerly Invitae), Labcorp
Classification: Uncertain significance for MHC class II deficiency. Last evaluated: 2024-08-17. Review status: criteria provided, single submitter. Criteria: Invitae Variant Classification Sherloc (09022015). Collection method: clinical testing. Allele origin: germline.
Comment: This sequence change replaces glycine, which is neutral and non-polar, with glutamic acid, which is acidic and polar, at codon 249 of the CIITA protein (p.Gly249Glu). This variant is not present in population databases (gnomAD no frequency). This variant has not been reported in the literature in individuals affected with CIITA-related conditions. ClinVar contains an entry for this variant (Variation ID: 2087611). An algorithm developed to predict the effect of missense changes on protein structure and function outputs the following: PolyPhen-2: "Benign". The glutamic acid amino acid residue is found in multiple mammalian species, which suggests that this missense change does not adversely affect protein function. In summary, the available evidence is currently insufficient to determine the role of this variant in disease. Therefore, it has been classified as a Variant of Uncertain Significance.